The following is an entry in ClinVar:

ClinVar aggregate classification (germline): Uncertain significance. Review status: criteria provided, multiple submitters, no conflicts (2 of 4 stars). 2 submissions from 2 submitters: Uncertain significance (2). Last evaluated 2024-09-14.

Conditions:
Fanconi anemia (FA). Also called: Fanconi's anemia. Identifiers: Orphanet 84, MedGen C0015625, MeSH D005199, MONDO:0019391.
Inborn genetic diseases. Identifiers: MedGen C0950123, MeSH D030342.

Allele frequency attached by ClinVar (database versions not stated): ExAC 0.00006.
gnomAD v4.1: 5 of 1,588,316 alleles (0.00031%); highest among the groups gnomAD compares: East Asian, 0.011%; no homozygotes.

Submissions (2):

Labcorp Genetics (formerly Invitae), Labcorp
Classification: Uncertain significance for Fanconi anemia. Last evaluated: 2024-09-14. Review status: criteria provided, single submitter. Criteria: Invitae Variant Classification Sherloc (09022015). Collection method: clinical testing. Allele origin: germline.
Comment: This sequence change replaces valine, which is neutral and non-polar, with leucine, which is neutral and non-polar, at codon 555 of the SLX4 protein (p.Val555Leu). This variant is present in population databases (rs763869769, gnomAD 0.03%). This variant has not been reported in the literature in individuals affected with SLX4-related conditions. An algorithm developed to predict the effect of missense changes on protein structure and function outputs the following: PolyPhen-2: "Benign". The leucine amino acid residue is found in multiple mammalian species, which suggests that this missense change does not adversely affect protein function. In summary, the available evidence is currently insufficient to determine the role of this variant in disease. Therefore, it has been classified as a Variant of Uncertain Significance.

Ambry Genetics
Classification: Uncertain significance for Inborn genetic diseases. Last evaluated: 2023-10-17. Review status: criteria provided, single submitter. Criteria: Ambry Variant Classification Scheme 2023. Collection method: clinical testing. Allele origin: germline.

NM_032444.4(SLX4):c.1663G>C (p.Val555Leu)

Gene: SLX4 (SLX4 structure-specific endonuclease subunit; minus strand). Cytogenetic location: 16p13.3.
Variant type: single nucleotide variant.
Coding change: c.1663G>C on transcript NM_032444.4 (MANE Select); coding-DNA position 1663, G replaced by C.
Protein change: p.Val555Leu; replaces valine 555 with leucine.
Molecular consequence: missense variant.
Genome position (GRCh38, 1-based): chr16:3,597,399, C>G on the plus strand (G>C on the coding strand, the complement: SLX4 is on the minus strand). VCF-style: chr16-3597399-C-G. GRCh37 (hg19) VCF-style: chr16-3647400-C-G.
Other names: short protein forms V555L.
Identifiers: ClinVar variation 3166191 (VCV003166191.3), dbSNP rs763869769, ClinGen allele CA7866458.
Genomic context (GRCh38, chr16:3,597,399, plus strand): 5'-CCCCAAAAGCCTATCCATGTGCCTGAGGGGAGGGACTCACCTGGGCAGGCCGCTGGGGCA[C>G]GAGAGGAGGGACCAGCCTGGCCGTGTAGAAGTCCTCCATGGCCCAGGCCCCAGTCAGTGC-3'
Protein context (NP_115820.2, residues 545-565): FYTARLVPPL[Val555Leu]PQRPAQGLMQ